The following is an entry in ClinVar:

NM_022124.6(CDH23):c.4513C>G (p.Pro1505Ala)

Gene: CDH23 (cadherin related 23; plus strand). Cytogenetic location: 10q22.1.
Variant type: single nucleotide variant.
Coding change: c.4513C>G on transcript NM_022124.6 (MANE Select); coding-DNA position 4513, C replaced by G.
Protein change: p.Pro1505Ala; replaces proline 1505 with alanine.
Molecular consequence: missense variant.
Genome position (GRCh38, 1-based): chr10:71,740,846, C>G. VCF-style: chr10-71740846-C-G. GRCh37 (hg19) VCF-style: chr10-73500603-C-G.
Other names: short protein forms P1505A.
Identifiers: ClinVar variation 1990074 (VCV001990074.4), dbSNP rs1051181659, ClinGen allele CA209486282.

ClinVar aggregate classification (germline): Uncertain significance (1 of 4 stars; one submission).

Allele frequency attached by ClinVar (database versions not stated): gnomAD exomes below 0.00001; TOPMed 0.00001.
gnomAD v4.1: 1 of 1,613,836 alleles (0.000062%); highest among the groups gnomAD compares: African/African-American, 0.0013%; no homozygotes.

Submission:

Labcorp Genetics (formerly Invitae), Labcorp
Classification: Uncertain significance. Last evaluated: 2024-12-16. Review status: criteria provided, single submitter. Criteria: Invitae Variant Classification Sherloc (09022015). Collection method: clinical testing. Allele origin: germline.
Comment: This sequence change replaces proline, which is neutral and non-polar, with alanine, which is neutral and non-polar, at codon 1505 of the CDH23 protein (p.Pro1505Ala). This variant is present in population databases (no rsID available, gnomAD 0.007%). This variant has not been reported in the literature in individuals affected with CDH23-related conditions. ClinVar contains an entry for this variant (Variation ID: 1990074). Invitae Evidence Modeling of protein sequence and biophysical properties (such as structural, functional, and spatial information, amino acid conservation, physicochemical variation, residue mobility, and thermodynamic stability) has been performed for this missense variant. However, the output from this modeling did not meet the statistical confidence thresholds required to predict the impact of this variant on CDH23 protein function. In summary, the available evidence is currently insufficient to determine the role of this variant in disease. Therefore, it has been classified as a Variant of Uncertain Significance.